The following is an entry in ClinVar:

ClinVar aggregate classification (germline): Uncertain significance. Review status: criteria provided, multiple submitters, no conflicts (2 of 4 stars). 2 submissions from 2 submitters: Uncertain significance (2). Last evaluated 2024-05-08.

Conditions:
Gorlin syndrome. Also called: Nevoid Basal Cell Carcinoma Syndrome; Basal cell nevus syndrome. Identifiers: Orphanet 377, MedGen C0004779, MONDO:0007187.

Allele frequency attached by ClinVar (database versions not stated): TOPMed below 0.00001; gnomAD exomes 0.00001.
gnomAD v4.1: 7 of 1,612,950 alleles (0.00043%); highest among the groups gnomAD compares: African/African-American, 0.0013%; no homozygotes.

Submissions (2):

Labcorp Genetics (formerly Invitae), Labcorp
Classification: Uncertain significance for Gorlin syndrome. Last evaluated: 2024-05-08. Review status: criteria provided, single submitter. Criteria: Invitae Variant Classification Sherloc (09022015). Collection method: clinical testing. Allele origin: germline.
Comment: This sequence change replaces alanine, which is neutral and non-polar, with threonine, which is neutral and polar, at codon 704 of the PTCH2 protein (p.Ala704Thr). This variant is present in population databases (no rsID available, gnomAD 0.007%). This variant has not been reported in the literature in individuals affected with PTCH2-related conditions. ClinVar contains an entry for this variant (Variation ID: 2476392). Algorithms developed to predict the effect of missense changes on protein structure and function output the following: SIFT: "Not Available"; PolyPhen-2: "Benign"; Align-GVGD: "Not Available". The threonine amino acid residue is found in multiple mammalian species, which suggests that this missense change does not adversely affect protein function. In summary, the available evidence is currently insufficient to determine the role of this variant in disease. Therefore, it has been classified as a Variant of Uncertain Significance.

Ambry Genetics
Classification: Uncertain significance. Last evaluated: 2023-01-18. Review status: criteria provided, single submitter. Criteria: Ambry Variant Classification Scheme 2023. Collection method: clinical testing. Allele origin: germline.

NM_003738.5(PTCH2):c.2110G>A (p.Ala704Thr)

Gene: PTCH2 (patched 2; minus strand). Cytogenetic location: 1p34.1.
Variant type: single nucleotide variant.
Coding change: c.2110G>A on transcript NM_003738.5 (MANE Select); coding-DNA position 2110, G replaced by A.
Protein change: p.Ala704Thr; replaces alanine 704 with threonine.
Molecular consequence: missense variant.
Genome position (GRCh38, 1-based): chr1:44,827,663, C>T on the plus strand (G>A on the coding strand, the complement: PTCH2 is on the minus strand). VCF-style: chr1-44827663-C-T. GRCh37 (hg19) VCF-style: chr1-45293335-C-T.
Other names: c.2110G>A, p.Ala704Thr (NM_001166292.2); short protein forms A704T.
Identifiers: ClinVar variation 2476392 (VCV002476392.4), dbSNP rs1410323838, ClinGen allele CA340098104.